The following is an entry in ClinVar:

NM_006662.3(SRCAP):c.8405C>T (p.Ser2802Phe)

Gene: SRCAP (Snf2 related CREBBP activator protein; plus strand). Cytogenetic location: 16p11.2.
Variant type: single nucleotide variant.
Coding change: c.8405C>T on transcript NM_006662.3 (MANE Select); coding-DNA position 8405, C replaced by T.
Protein change: p.Ser2802Phe; replaces serine 2802 with phenylalanine.
Molecular consequence: missense variant.
Genome position (GRCh38, 1-based): chr16:30,738,445, C>T. VCF-style: chr16-30738445-C-T. GRCh37 (hg19) VCF-style: chr16-30749766-C-T.
Other names: short protein forms S2802F.
Identifiers: ClinVar variation 1343616 (VCV001343616.9), dbSNP rs376510159, ClinGen allele CA8012688.

ClinVar aggregate classification (germline): Conflicting classifications of pathogenicity. Review status: criteria provided, conflicting classifications (1 of 4 stars). 3 submissions from 3 submitters: Uncertain significance (2); Likely benign (1). Last evaluated 2025-07-15.

Conditions:
Developmental delay, hypotonia, musculoskeletal defects, and behavioral abnormalities. Identifiers: MedGen C5562012, MONDO:0859202, OMIM 619595.
Floating-Harbor syndrome (FLHS). Also called: Short stature with delayed bone age, expressive language delay, a triangular face with a prominent nose and deep-set eyes; Pelletier-Leisti syndrome; SRCAP-Related Floating-Harbor Syndrome. Identifiers: Orphanet 2044, MedGen C0729582, MONDO:0007621, OMIM 136140.

Allele frequency attached by ClinVar (database versions not stated): gnomAD exomes 0.00002; ExAC 0.00003; gnomAD 0.00003 and 0.00004; TOPMed 0.00003; ESP Exome Variant Server 0.00008.

Submissions (3):

Labcorp Genetics (formerly Invitae), Labcorp
Classification: Uncertain significance. Last evaluated: 2025-07-15. Review status: criteria provided, single submitter. Criteria: Invitae Variant Classification Sherloc (09022015). Collection method: clinical testing. Allele origin: germline.
Comment: This sequence change replaces serine, which is neutral and polar, with phenylalanine, which is neutral and non-polar, at codon 2802 of the SRCAP protein (p.Ser2802Phe). This variant is present in population databases (rs376510159, gnomAD 0.003%). This variant has not been reported in the literature in individuals affected with SRCAP-related conditions. ClinVar contains an entry for this variant (Variation ID: 1343616). Invitae Evidence Modeling of protein sequence and biophysical properties (such as structural, functional, and spatial information, amino acid conservation, physicochemical variation, residue mobility, and thermodynamic stability) has been performed for this missense variant. However, the output from this modeling did not meet the statistical confidence thresholds required to predict the impact of this variant on SRCAP protein function. In summary, the available evidence is currently insufficient to determine the role of this variant in disease. Therefore, it has been classified as a Variant of Uncertain Significance.

Fulgent Genetics
Classification: Likely benign for Floating-Harbor syndrome; Developmental delay, hypotonia, musculoskeletal defects, and behavioral abnormalities. Last evaluated: 2024-06-24. Review status: criteria provided, single submitter. Criteria: ACMG Guidelines, 2015. Collection method: clinical testing. Allele origin: germline.

Women's Health and Genetics/Laboratory Corporation of America, LabCorp
Classification: Uncertain significance. Last evaluated: 2022-02-22. Review status: criteria provided, single submitter. Criteria: LabCorp Variant Classification Summary - May 2015. Collection method: clinical testing. Allele origin: germline.
Comment: Variant summary: SRCAP c.8405C>T (p.Ser2802Phe) results in a non-conservative amino acid change in the encoded protein sequence. Five of five in-silico tools predict a damaging effect of the variant on protein function. The variant allele was found at a frequency of 2e-05 in 204562 control chromosomes. The available data on variant occurrences in the general population are insufficient to allow any conclusion about variant significance. To our knowledge, no occurrence of c.8405C>T in individuals affected with Floating-Harbor Syndrome and no experimental evidence demonstrating its impact on protein function have been reported. No clinical diagnostic laboratories have submitted clinical-significance assessments for this variant to ClinVar after 2014. Based on the evidence outlined above, the variant was classified as uncertain significance.